The following is an entry in ClinVar:

NM_017827.4(SARS2):c.1051-16G>A

Gene: SARS2 (seryl-tRNA synthetase 2, mitochondrial; minus strand). Cytogenetic location: 19q13.2.
Variant type: single nucleotide variant.
Coding change: c.1051-16G>A on transcript NM_017827.4 (MANE Select); 16 bases into the intron before coding-DNA position 1051, G replaced by A.
Molecular consequence: intron variant.
Genome position (GRCh38, 1-based): chr19:38,917,849, C>T on the plus strand (G>A on the coding strand, the complement: SARS2 is on the minus strand). VCF-style: chr19-38917849-C-T. GRCh37 (hg19) VCF-style: chr19-39408489-C-T.
Other names: c.1057-16G>A (NM_001145901.2).
Identifiers: ClinVar variation 513505 (VCV000513505.3), dbSNP rs557070072, ClinGen allele CA9422882.
Genomic context (GRCh38, chr19:38,917,849, plus strand): 5'-TGAGCTCTGCTCCAGCCCAGGGCCTGTCACCCCAAACATCTCCACCTGGGACAGAGGGCA[C>T]AGGAGTCAGGAGGCTCTGAGCTCTTGGGGTGGCCCCCCACCCCAGCCCCGTTTAGTCCCA-3'

ClinVar aggregate classification (germline): Likely benign. Review status: criteria provided, multiple submitters, no conflicts (2 of 4 stars). 2 submissions from 2 submitters: Likely benign (2). Last evaluated 2025-06-12.

Allele frequency attached by ClinVar (database versions not stated): gnomAD exomes 0.00001 and 0.00005; gnomAD 0.00004 and 0.00005; TOPMed 0.00005; ExAC 0.00006; 1000 Genomes Project 0.00020; 1000 Genomes Project 30x 0.00031.
gnomAD v4.1: 31 of 1,613,560 alleles (0.0019%); highest among the groups gnomAD compares: Middle Eastern, 0.066%; no homozygotes.

Submissions (2):

Labcorp Genetics (formerly Invitae), Labcorp
Classification: Likely benign. Last evaluated: 2025-06-12. Review status: criteria provided, single submitter. Criteria: Invitae Variant Classification Sherloc (09022015). Collection method: clinical testing. Allele origin: germline.

GeneDx
Classification: Likely benign. Last evaluated: 2017-12-06. Review status: criteria provided, single submitter. Criteria: GeneDx Variant Classification (06012015). Collection method: clinical testing. Allele origin: germline. Affected: yes.
Comment: This variant is considered likely benign or benign based on one or more of the following criteria: it is a conservative change, it occurs at a poorly conserved position in the protein, it is predicted to be benign by multiple in silico algorithms, and/or has population frequency not consistent with disease.